The following is an entry in ClinVar:

NC_000014.8:g.(?_105201337)_(105201479_?)del

Gene: ADSS1 (adenylosuccinate synthase 1; plus strand). Cytogenetic location: 14q32.33.
Variant type: Deletion.
Identifiers: ClinVar variation 3244106 (VCV003244106.1).

ClinVar aggregate classification (germline): Pathogenic (1 of 4 stars; one submission).

Submission:

Labcorp Genetics (formerly Invitae), Labcorp
Classification: Pathogenic. Last evaluated: 2023-07-27. Review status: criteria provided, single submitter. Criteria: Invitae Variant Classification Sherloc (09022015). Collection method: clinical testing. Allele origin: unknown.
Comment: For these reasons, this variant has been classified as Pathogenic. This variant has not been reported in the literature in individuals affected with ADSSL1-related conditions. This variant is a gross deletion of the genomic region encompassing exon(s) 2 of the ADSSL1 gene. This deletion is out-of-frame, and is expected to create a premature termination codon and result in an absent or disrupted protein product. Loss-of-function variants in ADSSL1 are known to be pathogenic (PMID: 26506222).

Literature cited by the submitters: PubMed 26506222.